The following is an entry in ClinVar:

ClinVar aggregate classification (germline): Uncertain significance (1 of 4 stars; one submission).

Submission:

Labcorp Genetics (formerly Invitae), Labcorp
Classification: Uncertain significance. Last evaluated: 2023-11-02. Review status: criteria provided, single submitter. Criteria: Invitae Variant Classification Sherloc (09022015). Collection method: clinical testing. Allele origin: germline.
Comment: This sequence change falls in intron 25 of the POLE gene. It does not directly change the encoded amino acid sequence of the POLE protein. It affects a nucleotide within the consensus splice site. This variant is not present in population databases (gnomAD no frequency). This variant has not been reported in the literature in individuals affected with POLE-related conditions. Variants that disrupt the consensus splice site are a relatively common cause of aberrant splicing (PMID: 17576681, 9536098). Algorithms developed to predict the effect of sequence changes on RNA splicing suggest that this variant is not likely to affect RNA splicing. In summary, the available evidence is currently insufficient to determine the role of this variant in disease. Therefore, it has been classified as a Variant of Uncertain Significance.

Literature cited by the submitters: PubMed 17576681; PubMed 9536098.

NM_006231.4(POLE):c.3060+4_3060+5insTT

Gene: POLE (DNA polymerase epsilon, catalytic subunit; minus strand). Cytogenetic location: 12q24.33.
Variant type: Insertion.
Coding change: c.3060+4_3060+5insTT on transcript NM_006231.4 (MANE Select); bases 4 to 5 of the intron after coding-DNA position 3060, TT inserted.
Molecular consequence: intron variant.
Genome position: GRCh38 VCF-style: chr12-132660964-T-TAA. GRCh37 (hg19) VCF-style: chr12-133237550-T-TAA.
Identifiers: ClinVar variation 2891180 (VCV002891180.3), dbSNP rs2542037345, ClinGen allele CA2739277441.
Genomic context (GRCh38, chr12:132,660,964, plus strand): 5'-GGGGTCCCCTTCTTGCTTCATCCTTCATCCCTCAGAGCAGGTGAGGGTGGAGGGTAGGCC[T>TAA]TTACCTTGCTGTACAGCACGTCCAGCCAGTAGTCAGCCACCTTGGCTACAGAGCCATACA-3'